The following is an entry in ClinVar:

ClinVar aggregate classification (germline): Uncertain significance (1 of 4 stars; one submission).

Submission:

CeGaT Center for Human Genetics Tuebingen
Classification: Uncertain significance. Last evaluated: 2024-01-01. Review status: criteria provided, single submitter. Criteria: CeGaT Center For Human Genetics Tuebingen Variant Classification Criteria Version 2. Collection method: clinical testing. Allele origin: germline. Affected: yes. Observed: 1 variant allele.
Comment: IRF2BPL: PM2

NM_024496.4(IRF2BPL):c.1508G>A (p.Ser503Asn)

Gene: IRF2BPL (interferon regulatory factor 2 binding protein like; minus strand). Cytogenetic location: 14q24.3.
Variant type: single nucleotide variant.
Coding change: c.1508G>A on transcript NM_024496.4 (MANE Select); coding-DNA position 1508, G replaced by A.
Protein change: p.Ser503Asn; replaces serine 503 with asparagine.
Molecular consequence: missense variant.
Genome position (GRCh38, 1-based): chr14:77,026,285, C>T on the plus strand (G>A on the coding strand, the complement: IRF2BPL is on the minus strand). VCF-style: chr14-77026285-C-T. GRCh37 (hg19) VCF-style: chr14-77492628-C-T.
Other names: short protein forms S503N.
Identifiers: ClinVar variation 3026958 (VCV003026958.22), dbSNP rs761312458, ClinGen allele CA390493750.
Genomic context (GRCh38, chr14:77,026,285, plus strand): 5'-CCCGGGGGTGCGCTGGGGGCGCGGCTCAGACTCACCAGAGCAGTGGGCAGCATGGGACAG[C>T]TGGCGTCCAGGTAGGGCTGGGGCAGCATGTCGGCGCCGGGCACGCCCTCCTTGAAGAAGC-3'
Protein context (NP_078772.1, residues 493-513): DMLPQPYLDA[Ser503Asn]CPMLPTALVS